The following is an entry in ClinVar:

NM_001382567.1(STIM1):c.406G>A (p.Glu136Lys)

Gene: STIM1 (stromal interaction molecule 1; plus strand). Cytogenetic location: 11p15.4.
Variant type: single nucleotide variant.
Coding change: c.406G>A on transcript NM_001382567.1 (MANE Select); coding-DNA position 406, G replaced by A.
Protein change: p.Glu136Lys; replaces glutamic acid 136 with lysine.
Molecular consequence: missense variant. On other transcripts: 5 prime UTR variant (2), non-coding transcript variant (3), intron variant (2).
Genome position (GRCh38, 1-based): chr11:4,055,546, G>A. VCF-style: chr11-4055546-G-A. GRCh37 (hg19) VCF-style: chr11-4076776-G-A.
Other names: c.406G>A, p.Glu136Lys (NM_001382568.1, NM_001382572.1, NM_003156.4 and 2 more transcripts); c.271G>A, p.Glu91Lys (NM_001382569.1); c.184G>A, p.Glu62Lys (NM_001382573.1, NM_001382574.1, NM_001382575.1 and 5 more transcripts); c.-84G>A (NM_001382580.1, NM_001382581.1); c.386-14480G>A (NM_001382570.1); c.18-3735G>A (NM_001382571.1); short protein forms E136K, E62K, E91K.
Identifiers: ClinVar variation 649393 (VCV000649393.7), dbSNP rs1590678420, ClinGen allele CA379485477.

ClinVar aggregate classification (germline): Uncertain significance. Review status: criteria provided, multiple submitters, no conflicts (2 of 4 stars). 2 submissions from 2 submitters: Uncertain significance (2). Last evaluated 2026-04-05.

Conditions:
Stormorken syndrome (STRMK). Also called: THROMBOCYTOPATHY, ASPLENIA, AND MIOSIS. Identifiers: Orphanet 3204, MedGen C1861451, MONDO:0008497, OMIM 185070.
Combined immunodeficiency due to STIM1 deficiency. Also called: STIM1 DEFICIENCY; IMMUNODEFICIENCY 10. Identifiers: Orphanet 169090, Orphanet 317430, MedGen C2748557, MONDO:0013008, OMIM 612783.
Myopathy with tubular aggregates (TAM). Also called: Tubular Aggregate Myopathy. Identifiers: Orphanet 2593, MedGen C0410207, MONDO:0008051.

Submissions (2):

GeneDx
Classification: Uncertain significance. Last evaluated: 2026-04-05. Review status: criteria provided, single submitter. Criteria: GeneDx Variant Classification Process June 2021. Collection method: clinical testing. Allele origin: germline.
Comment: Not observed at significant frequency in large population cohorts (gnomAD); In silico analysis supports that this missense variant has a deleterious effect on protein structure/function; Has not been previously published as pathogenic or benign to our knowledge

Labcorp Genetics (formerly Invitae), Labcorp
Classification: Uncertain significance for Myopathy with tubular aggregates; Combined immunodeficiency due to STIM1 deficiency; Stormorken syndrome. Last evaluated: 2021-08-27. Review status: criteria provided, single submitter. Criteria: Invitae Variant Classification Sherloc (09022015). Collection method: clinical testing. Allele origin: germline.